The following is an entry in ClinVar:

NM_001386795.1(DTNA):c.977A>G (p.Lys326Arg)

Gene: DTNA (dystrobrevin alpha; plus strand). Cytogenetic location: 18q12.1.
Variant type: single nucleotide variant.
Coding change: c.977A>G on transcript NM_001386795.1 (MANE Select); coding-DNA position 977, A replaced by G.
Protein change: p.Lys326Arg; replaces lysine 326 with arginine.
Molecular consequence: missense variant. On other transcripts: intron variant (1).
Genome position (GRCh38, 1-based): chr18:34,820,891, A>G. VCF-style: chr18-34820891-A-G. GRCh37 (hg19) VCF-style: chr18-32400855-A-G.
Other names: c.977A>G, p.Lys326Arg (NM_001128175.2, NM_001198938.2, NM_001198939.2 and 34 more transcripts); c.23A>G, p.Lys8Arg (NM_001198942.1, NM_001198944.1, NM_032980.4 and 1 more transcripts); c.227A>G, p.Lys76Arg (NM_001198943.1); c.603+8778A>G (NM_001198945.2); short protein forms K326R, K76R, K8R.
Identifiers: ClinVar variation 1718019 (VCV001718019.5), dbSNP rs939766160, ClinGen allele CA402169316.
Genomic context (GRCh38, chr18:34,820,891, plus strand): 5'-CCCTGAGCTGTGCTTCCAGCCGTGAACCTTTGCACCCCATGTTCCCAGATCAGCCTGAGA[A>G]GCCACTCAACTTGGCTCACATCGTGTGAGTATCCCTACCCTCCCAGTATAGAGACAATTT-3'
Protein context (NP_001373724.1, residues 316-336): LHPMFPDQPE[Lys326Arg]PLNLAHIVPP

ClinVar aggregate classification (germline): Uncertain significance (1 of 4 stars; one submission).

Conditions:
Left ventricular noncompaction 1 (LVNC1). Also called: LEFT VENTRICULAR NONCOMPACTION 1 WITH OR WITHOUT CONGENITAL HEART DEFECTS. Identifiers: Orphanet 54260, MedGen C1858725, MONDO:0011403, OMIM 604169.

gnomAD v4.1: 2 of 1,614,136 alleles (0.00012%); highest among the groups gnomAD compares: Admixed American, 0.0033%; no homozygotes.

Submission:

Labcorp Genetics (formerly Invitae), Labcorp
Classification: Uncertain significance for Left ventricular noncompaction 1. Last evaluated: 2022-08-25. Review status: criteria provided, single submitter. Criteria: Invitae Variant Classification Sherloc (09022015). Collection method: clinical testing. Allele origin: germline.
Comment: This variant has not been reported in the literature in individuals affected with DTNA-related conditions. This variant is present in population databases (no rsID available, gnomAD 0.003%). This sequence change replaces lysine, which is basic and polar, with arginine, which is basic and polar, at codon 326 of the DTNA protein (p.Lys326Arg). In summary, the available evidence is currently insufficient to determine the role of this variant in disease. Therefore, it has been classified as a Variant of Uncertain Significance. Algorithms developed to predict the effect of missense changes on protein structure and function are either unavailable or do not agree on the potential impact of this missense change (SIFT: "Tolerated"; PolyPhen-2: "Possibly Damaging"; Align-GVGD: "Class C0").